The following is an entry in ClinVar:

ClinVar aggregate classification (germline): Pathogenic (1 of 4 stars; one submission).

Conditions:
Familial cylindromatosis. Also called: ANCELL-SPIEGLER CYLINDROMAS; Turban tumor syndrome. Identifiers: Orphanet 211, Orphanet 79493, MedGen C1851526, MONDO:0007565, OMIM 132700.

Submission:

Genomic Diagnostic Laboratory, Division of Genomic Diagnostics, Children's Hospital of Philadelphia
Classification: Pathogenic for Cylindromatosis, familial. Last evaluated: 2016-09-23. Review status: criteria provided, single submitter. Criteria: DGD Variant Analysis Guidelines. Collection method: clinical testing. Allele origin: germline. Observed: 2 variant alleles.
Comment: Clinical Testing

NM_001378743.1(CYLD):c.2242-2A>G

Genes: CYLD (CYLD lysine 63 deubiquitinase; plus strand), CYLD-AS2 (CYLD antisense RNA 2; minus strand). Cytogenetic location: 16q12.1.
Variant type: single nucleotide variant.
Coding change: c.2242-2A>G on transcript NM_001378743.1 (MANE Select); the canonical splice acceptor site of the intron before coding-DNA position 2242, A replaced by G.
Molecular consequence: splice acceptor variant.
Genome position (GRCh38, 1-based): chr16:50,792,595, A>G. VCF-style: chr16-50792595-A-G. GRCh37 (hg19) VCF-style: chr16-50826506-A-G.
Other names: c.2242-2A>G (NM_015247.3); c.2233-2A>G (NM_001378745.1, NM_001378744.1, NM_001042355.2 and 6 more transcripts); c.2203-2A>G (NM_001378753.1, NM_001378751.1, NM_001378752.1); c.1567-2A>G (NM_001378754.1, NM_001378755.1).
Identifiers: ClinVar variation 267247 (VCV000267247.1), dbSNP rs886040886, ClinGen allele CA10590084.
Genomic context (GRCh38, chr16:50,792,595, plus strand): 5'-TTTCATAGGGAAAAGTGTTTTTTTTAACACTTTGATTCTAAAAATATCTGTCTTTTTTAT[A>G]GGCACCATCATGTCTGATTATTCAGATGCCTCGATTTGGAAAAGACTTTAAACTATTTAA-3'